The following is an entry in ClinVar:

ClinVar aggregate classification (germline): Pathogenic (1 of 4 stars; one submission).

Conditions:
Microphthalmia, isolated, with coloboma 3 (MCOPCB3). Also called: MICROPHTHALMIA/COLOBOMA 3; MICROPHTHALMIA, COLOBOMATOUS, 3. Identifiers: Orphanet 98938, MedGen C1864721, MONDO:0012408, OMIM 610092.

Submission:

Myriad Genetics, Inc.
Classification: Pathogenic for Microphthalmia, isolated, with coloboma 3. Last evaluated: 2023-09-27. Review status: criteria provided, single submitter. Criteria: Myriad Autosomal Dominant, Autosomal Recessive and X-Linked Classification Criteria (2023). Collection method: clinical testing. Allele origin: unknown.
Comment: NM_182894.2(VSX2):c.204dupC(S69Qfs*58) is expected to be pathogenic in the context of microphthalmia, anophthalmia, and coloboma, VSX2-related. This variant is predicted to lead to an abnormal or absent protein product due to the creation of a premature termination codon in VSX2, a gene where loss-of-function variants are known to be pathogenic. Please note: this variant was assessed in the context of healthy population screening.

NM_182894.3(VSX2):c.204dup (p.Ser69fs)

Gene: VSX2 (visual system homeobox 2; plus strand). Cytogenetic location: 14q24.3.
Variant type: Duplication.
Coding change: c.204dup on transcript NM_182894.3 (MANE Select); coding-DNA position 204, one base duplicated (C; older notation c.204dupC).
Protein change: p.Ser69fs; shifts the reading frame from serine 69.
Molecular consequence: frameshift variant.
Genome position (GRCh38, 1-based): chr14:74,239,765, C duplicated. VCF-style (leftmost placement, unchanged base first): chr14-74239764-T-TC. GRCh37 (hg19) VCF-style: chr14-74706467-T-TC.
Other names: short protein forms S69fs.
Identifiers: ClinVar variation 5012241 (VCV005012241.1).